The following is an entry in ClinVar:

ClinVar aggregate classification (germline): Uncertain significance (1 of 4 stars; one submission).

Conditions:
Inborn genetic diseases. Identifiers: MedGen C0950123, MeSH D030342.

Submission:

Ambry Genetics
Classification: Uncertain significance for Inborn genetic diseases. Last evaluated: 2024-01-30. Review status: criteria provided, single submitter. Criteria: Ambry Variant Classification Scheme 2023. Collection method: clinical testing. Allele origin: germline.
Comment: The p.T2298S variant (also known as c.6893C>G), located in coding exon 47 of the LRRK2 gene, results from a C to G substitution at nucleotide position 6893. The threonine at codon 2298 is replaced by serine, an amino acid with similar properties. This amino acid position is conserved. In addition, this alteration is predicted to be tolerated by in silico analysis. Based on the available evidence, the clinical significance of this alteration remains unclear.

NM_198578.4(LRRK2):c.6893C>G (p.Thr2298Ser)

Gene: LRRK2 (leucine rich repeat kinase 2; plus strand). Cytogenetic location: 12q12.
Variant type: single nucleotide variant.
Coding change: c.6893C>G on transcript NM_198578.4 (MANE Select); coding-DNA position 6893, C replaced by G.
Protein change: p.Thr2298Ser; replaces threonine 2298 with serine.
Molecular consequence: missense variant.
Genome position (GRCh38, 1-based): chr12:40,359,309, C>G. VCF-style: chr12-40359309-C-G. GRCh37 (hg19) VCF-style: chr12-40753111-C-G.
Other names: short protein forms T2298S.
Identifiers: ClinVar variation 2315542 (VCV002315542.2), dbSNP rs2500012067, ClinGen allele CA384411515.
Genomic context (GRCh38, chr12:40,359,309, plus strand): 5'-TTTTGGCAAAGCTTAAAGGAGCTGCTCCTTTGAAGATACTAAATATAGGAAATGTCAGTA[C>G]TCCATTGATGTGTTTGAGTGAATCCACAAATTCAACGGAAAGAAATGTAATGTGGGGAGG-3'
Protein context (NP_940980.4, residues 2288-2308): LKILNIGNVS[Thr2298Ser]PLMCLSESTN